The following is an entry in ClinVar:

ClinVar aggregate classification (germline): Likely benign. Review status: criteria provided, single submitter (1 of 4 stars). 2 submissions from 2 submitters: Likely benign (1). 1 of the submissions does not count toward it. Last evaluated 2024-10-31.

Conditions:
NRXN3-related disorder. Also called: NRXN3-related condition.

Allele frequency attached by ClinVar (database versions not stated): 1000 Genomes Project 30x 0.00031; ESP Exome Variant Server 0.00031; 1000 Genomes Project 0.00040; gnomAD 0.00050; gnomAD exomes 0.00051; ExAC 0.00060; TOPMed 0.00077.
gnomAD v4.1: 842 of 1,613,558 alleles (0.052%); highest among the groups gnomAD compares: Middle Eastern, 0.71%; 5 homozygotes.

Submissions (2):

Blueprint Genetics
Classification: Likely benign. Last evaluated: 2024-10-31. Review status: criteria provided, single submitter. Criteria: ACMG Guidelines, 2015. Collection method: clinical testing. Allele origin: germline.

PreventionGenetics, part of Exact Sciences
Classification: Likely benign for NRXN3-related condition. Last evaluated: 2019-02-26. Review status: no assertion criteria provided. Collection method: clinical testing. Allele origin: germline. Not counted in ClinVar's aggregate classification.
Comment: This variant is classified as likely benign based on ACMG/AMP sequence variant interpretation guidelines (Richards et al. 2015 PMID: 25741868, with internal and published modifications).

NM_001330195.2(NRXN3):c.3570C>T (p.Ala1190=)

Gene: NRXN3 (neurexin 3; plus strand). Cytogenetic location: 14q31.1.
Variant type: single nucleotide variant.
Coding change: c.3570C>T on transcript NM_001330195.2 (MANE Select); coding-DNA position 3570, C replaced by T.
Protein change: p.Ala1190=; no amino-acid change (alanine 1190 retained).
Molecular consequence: synonymous variant. On other transcripts: non-coding transcript variant (5).
Genome position (GRCh38, 1-based): chr14:79,663,903, C>T. VCF-style: chr14-79663903-C-T. GRCh37 (hg19) VCF-style: chr14-80130246-C-T.
Other names: c.555C>T, p.Ala185= (NM_001105250.3, NM_001272020.2, NM_138970.5); c.3570C>T, p.Ala1190= (NM_001366425.1); c.3582C>T, p.Ala1194= (NM_001366426.1); c.2451C>T, p.Ala817= (NM_004796.6).
Identifiers: ClinVar variation 3044564 (VCV003044564.3), dbSNP rs139723044, ClinGen allele CA7292284.